The following is an entry in ClinVar:

ClinVar aggregate classification (germline): Likely benign. Review status: criteria provided, multiple submitters, no conflicts (2 of 4 stars). 2 submissions from 2 submitters: Likely benign (2). Last evaluated 2022-06-01.

Conditions:
Koolen-de Vries syndrome (KDVS). Identifiers: Orphanet 96169, MedGen C1864871, MONDO:0012496, OMIM 610443.

Submissions (2):

CeGaT Center for Human Genetics Tuebingen
Classification: Likely benign. Last evaluated: 2022-06-01. Review status: criteria provided, single submitter. Criteria: CeGaT Center For Human Genetics Tuebingen Variant Classification Criteria Version 2. Collection method: clinical testing. Allele origin: germline. Affected: yes. Observed: 1 variant allele.
Comment: KANSL1: BP4

Labcorp Genetics (formerly Invitae), Labcorp
Classification: Likely benign for Koolen-de Vries syndrome. Last evaluated: 2020-02-12. Review status: criteria provided, single submitter. Criteria: Invitae Variant Classification Sherloc (09022015). Collection method: clinical testing. Allele origin: germline.

NM_015443.4(KANSL1):c.372G>T (p.Leu124=)

Gene: KANSL1 (KAT8 regulatory NSL complex subunit 1). Cytogenetic location: 17q21.31.
Variant type: single nucleotide variant.
Coding change: c.372G>T on transcript NM_015443.4 (MANE Select); coding-DNA position 372, G replaced by T.
Protein change: p.Leu124=; no amino-acid change (leucine 124 retained).
Molecular consequence: synonymous variant.
Genome position (GRCh38, 1-based): chr17:46,171,772, C>A on the plus strand (G>T on the coding strand, the complement: KANSL1 is on the minus strand). VCF-style: chr17-46171772-C-A. GRCh37 (hg19) VCF-style: chr17-44249138-C-A.
Other names: c.372G>T, p.Leu124= (NM_001193465.2, NM_001193466.2, NM_001379198.1).
Identifiers: ClinVar variation 1140460 (VCV001140460.33), dbSNP rs778607325, ClinGen allele CA500644101.